The following is an entry in ClinVar:

NM_000548.5(TSC2):c.5024C>A (p.Pro1675Gln)

Gene: TSC2 (TSC complex subunit 2; plus strand). Cytogenetic location: 16p13.3.
Variant type: single nucleotide variant.
Coding change: c.5024C>A on transcript NM_000548.5 (MANE Select); coding-DNA position 5024, C replaced by A.
Protein change: p.Pro1675Gln; replaces proline 1675 with glutamine.
Molecular consequence: missense variant.
Genome position (GRCh38, 1-based): chr16:2,087,897, C>A. VCF-style: chr16-2087897-C-A. GRCh37 (hg19) VCF-style: chr16-2137898-C-A.
Other names: c.4823C>A, p.Pro1608Gln (NM_001077183.3); c.4955C>A, p.Pro1652Gln (NM_001114382.3); c.4715C>A, p.Pro1572Gln (NM_001318827.2); c.4679C>A, p.Pro1560Gln (NM_001318829.2); c.4292C>A, p.Pro1431Gln (NM_001318831.2); c.4856C>A, p.Pro1619Gln (NM_001318832.2); c.4826C>A, p.Pro1609Gln (NM_001363528.2); c.4892C>A, p.Pro1631Gln (NM_001370404.1); and 1 more; short protein forms P1675Q, P1431Q, P1608Q, P1609Q, P1619Q, P1632Q, P1560Q, P1572Q.
Identifiers: ClinVar variation 535873 (VCV000535873.9), dbSNP rs45483392, ClinGen allele CA394311256.

ClinVar aggregate classification (germline): Pathogenic/Likely pathogenic. Review status: criteria provided, multiple submitters, no conflicts (2 of 4 stars). 4 submissions from 4 submitters: Pathogenic (1); Likely pathogenic (3). Last evaluated 2024-10-16.

Conditions:
Tuberous sclerosis syndrome (TSC). Also called: Tuberous Sclerosis Complex; Tuberous sclerosis. Identifiers: Orphanet 805, MedGen C0041341, MONDO:0001734.
Tuberous sclerosis 2 (TSC2). Identifiers: Orphanet 805, MedGen C1860707, MONDO:0013199, OMIM 613254.

Submissions (4):

Athena Diagnostics
Classification: Likely pathogenic. Last evaluated: 2024-10-16. Review status: criteria provided, single submitter. Criteria: Athena Diagnostics Criteria. Collection method: clinical testing. Allele origin: unknown.
Comment: This variant has not been reported in large, multi-ethnic general populations. This variant has been identified in at least one individual tested at Athena Diagnostics with clinical features associated with this gene. Multiple missense variants at this codon, including at least one considered to be pathogenic or likely pathogenic, have been reported in individuals with clinical features associated with this gene, suggesting this variant may also cause disease. Polyphen and MutationTaster predict this amino acid change may be damaging to the protein.

Labcorp Genetics (formerly Invitae), Labcorp
Classification: Pathogenic for Tuberous sclerosis 2. Last evaluated: 2022-03-15. Review status: criteria provided, single submitter. Criteria: Invitae Variant Classification Sherloc (09022015). Collection method: clinical testing. Allele origin: germline.
Comment: This variant is not present in population databases (gnomAD no frequency). This sequence change replaces proline, which is neutral and non-polar, with glutamine, which is neutral and polar, at codon 1675 of the TSC2 protein (p.Pro1675Gln). This missense change has been observed in individual(s) with tuberous sclerosis complex (PMID: 21520333; Invitae). In at least one individual the variant was observed to be de novo. For these reasons, this variant has been classified as Pathogenic. This variant disrupts the p.Pro1675 amino acid residue in TSC2. Other variant(s) that disrupt this residue have been determined to be pathogenic (PMID: 9302281, 9463313, 11520734, 12111193, 15024740, 21520333, 22867869). This suggests that this residue is clinically significant, and that variants that disrupt this residue are likely to be disease-causing. Algorithms developed to predict the effect of sequence changes on RNA splicing suggest that this variant may create or strengthen a splice site. Advanced modeling of protein sequence and biophysical properties (such as structural, functional, and spatial information, amino acid conservation, physicochemical variation, residue mobility, and thermodynamic stability) performed at Invitae indicates that this missense variant is expected to disrupt TSC2 protein function. ClinVar contains an entry for this variant (Variation ID: 535873).

Genome-Nilou Lab
Classification: Likely pathogenic for Tuberous sclerosis 2. Last evaluated: 2021-11-07. Review status: criteria provided, single submitter. Criteria: ACMG Guidelines, 2015. Collection method: clinical testing. Allele origin: germline. Affected: no.

Clinical Molecular Genetics Laboratory, Johns Hopkins All Children's Hospital
Classification: Likely pathogenic for Tuberous sclerosis syndrome. Last evaluated: 2019-12-27. Review status: criteria provided, single submitter. Criteria: ACMG Guidelines, 2015. Collection method: clinical testing. Allele origin: germline. Inheritance: Autosomal dominant inheritance. Affected: yes. Observed: 1 heterozygote.

Literature cited by the submitters: PubMed 38806662 (cited by Athena Diagnostics); PubMed 21520333 (cited by Labcorp Genetics (formerly Invitae), Labcorp); PubMed 9302281 (cited by Labcorp Genetics (formerly Invitae), Labcorp); PubMed 9463313 (cited by Labcorp Genetics (formerly Invitae), Labcorp); PubMed 11520734 (cited by Labcorp Genetics (formerly Invitae), Labcorp); PubMed 12111193 (cited by Labcorp Genetics (formerly Invitae), Labcorp); PubMed 15024740 (cited by Labcorp Genetics (formerly Invitae), Labcorp); PubMed 22867869 (cited by Labcorp Genetics (formerly Invitae), Labcorp).